The following is an entry in ClinVar:

ClinVar aggregate classification (germline): Uncertain significance. Review status: criteria provided, multiple submitters, no conflicts (2 of 4 stars). 3 submissions from 3 submitters: Uncertain significance (3). Last evaluated 2025-09-29.

Conditions:
Hereditary cancer-predisposing syndrome. Also called: Tumor predisposition; Hereditary Cancer Syndrome; Hereditary neoplastic syndrome; Neoplastic Syndromes, Hereditary. Identifiers: Orphanet 140162, MedGen C0027672, MeSH D009386, MONDO:0015356.
Familial adenomatous polyposis 2. Also called: FAP type 2; MUTYH Polyposis; COLORECTAL ADENOMATOUS POLYPOSIS, AUTOSOMAL RECESSIVE; ADENOMAS, MULTIPLE COLORECTAL, AUTOSOMAL RECESSIVE; MUTYH-associated polyposis; MUTYH-related attenuated familial adenomatous polyposis. Identifiers: Orphanet 220460, Orphanet 247798, MedGen C3272841, MONDO:0012041, OMIM 608456.

gnomAD v4.1: 1 of 1,614,130 alleles (0.000062%); highest among the groups gnomAD compares: Non-Finnish European, 0.000085%; no homozygotes.

Submissions (3):

Labcorp Genetics (formerly Invitae), Labcorp
Classification: Uncertain significance for Familial adenomatous polyposis 2. Last evaluated: 2025-09-29. Review status: criteria provided, single submitter. Criteria: Invitae Variant Classification Sherloc (09022015). Collection method: clinical testing. Allele origin: germline.
Comment: This sequence change replaces arginine, which is basic and polar, with glycine, which is neutral and non-polar, at codon 116 of the MUTYH protein (p.Arg116Gly). This variant is not present in population databases (gnomAD no frequency). This variant has not been reported in the literature in individuals affected with MUTYH-related conditions. ClinVar contains an entry for this variant (Variation ID: 823807). An algorithm developed to predict the effect of missense changes on protein structure and function (PolyPhen-2) suggests that this variant is likely to be tolerated. Algorithms developed to predict the effect of sequence changes on RNA splicing suggest that this variant may disrupt the consensus splice site. In summary, the available evidence is currently insufficient to determine the role of this variant in disease. Therefore, it has been classified as a Variant of Uncertain Significance.

Color Diagnostics, LLC DBA Color Health
Classification: Uncertain significance for Hereditary cancer-predisposing syndrome. Last evaluated: 2025-06-05. Review status: criteria provided, single submitter. Criteria: ACMG Guidelines, 2015. Collection method: clinical testing. Allele origin: germline.
Comment: This missense variant replaces arginine with glycine at codon 116 of the MUTYH protein. Computational prediction suggests that this variant may not impact protein structure and function. To our knowledge, functional studies have not been reported for this variant. This variant has not been reported in individuals affected with MUTYH-related disorders in the literature. This variant has not been identified in the general population by the Genome Aggregation Database (gnomAD). The available evidence is insufficient to determine the role of this variant in disease conclusively. Therefore, this variant is classified as a Variant of Uncertain Significance.

Ambry Genetics
Classification: Uncertain significance for Hereditary cancer-predisposing syndrome. Last evaluated: 2023-12-05. Review status: criteria provided, single submitter. Criteria: Ambry Variant Classification Scheme 2023. Collection method: clinical testing. Allele origin: germline.
Comment: The p.R116G variant (also known as c.346C>G), located in coding exon 3 of the MUTYH gene, results from a C to G substitution at nucleotide position 346. The arginine at codon 116 is replaced by glycine, an amino acid with dissimilar properties. This nucleotide position is not well conserved in available vertebrate species. This amino acid position is not well conserved in available vertebrate species. In silico splice site analysis for this alteration is inconclusive; however, direct evidence is insufficient at this time (Ambry internal data). In addition, this alteration is predicted to be tolerated by in silico analysis. Since supporting evidence is limited at this time, the clinical significance of this alteration remains unclear.

NM_001048174.2(MUTYH):c.262C>G (p.Arg88Gly)

Gene: MUTYH (mutY DNA glycosylase; minus strand). Cytogenetic location: 1p34.1.
Variant type: single nucleotide variant.
Coding change: c.262C>G on transcript NM_001048174.2 (MANE Select); coding-DNA position 262, C replaced by G.
Protein change: p.Arg88Gly; replaces arginine 88 with glycine.
Molecular consequence: missense variant. On other transcripts: 5 prime UTR variant (4), non-coding transcript variant (2).
Genome position (GRCh38, 1-based): chr1:45,333,415, G>C on the plus strand (C>G on the coding strand, the complement: MUTYH is on the minus strand). VCF-style: chr1-45333415-G-C. GRCh37 (hg19) VCF-style: chr1-45799087-G-C.
Other names: c.262C>G, p.Arg88Gly (NM_001048171.2, NM_001048173.2, NM_001293195.2); c.265C>G, p.Arg89Gly (NM_001048172.2); c.346C>G, p.Arg116Gly (NM_001128425.2); c.307C>G, p.Arg103Gly (NM_001293190.2); c.295C>G, p.Arg99Gly (NM_001293191.2); c.-15C>G (NM_001293192.2, NM_001293196.2); c.-10C>G (NM_001350650.2, NM_001350651.2); c.337C>G, p.Arg113Gly (NM_012222.3); short protein forms R103G, R88G, R99G, R113G, R116G, R89G.
Identifiers: ClinVar variation 823807 (VCV000823807.17), dbSNP rs373766973, ClinGen allele CA340136333.